The following is an entry in ClinVar:

NM_000535.7(PMS2):c.13G>C (p.Glu5Gln)

Gene: PMS2 (PMS1 homolog 2, mismatch repair system component; minus strand). Cytogenetic location: 7p22.1.
Variant type: single nucleotide variant.
Coding change: c.13G>C on transcript NM_000535.7 (MANE Select); coding-DNA position 13, G replaced by C.
Protein change: p.Glu5Gln; replaces glutamic acid 5 with glutamine.
Molecular consequence: missense variant. On other transcripts: 5 prime UTR variant (11), non-coding transcript variant (1).
Genome position (GRCh38, 1-based): chr7:6,009,007, C>G on the plus strand (G>C on the coding strand, the complement: PMS2 is on the minus strand). VCF-style: chr7-6009007-C-G. GRCh37 (hg19) VCF-style: chr7-6048638-C-G.
Other names: c.-388G>C (NM_001322003.2, NM_001322013.2); c.-253G>C (NM_001322004.2, NM_001322010.2); c.-583G>C (NM_001322005.2); c.13G>C, p.Glu5Gln (NM_001322006.2, NM_001322014.2); c.-203G>C (NM_001322007.2); c.-63G>C (NM_001322008.2); c.-578G>C (NM_001322009.2); c.-872G>C (NM_001322011.2); and 2 more; short protein forms E5Q.
Identifiers: ClinVar variation 411026 (VCV000411026.30), dbSNP rs372539944, ClinGen allele CA043392.

ClinVar aggregate classification (germline): Conflicting classifications of pathogenicity. Review status: criteria provided, conflicting classifications (1 of 4 stars). 8 submissions from 8 submitters: Uncertain significance (7); Benign (1). Last evaluated 2026-06-10.

Conditions:
Hereditary nonpolyposis colorectal neoplasms. Identifiers: MedGen C0009405, MeSH D003123.
PMS2-related disorder. Also called: PMS2-related condition.
Hereditary cancer-predisposing syndrome. Also called: Neoplastic Syndromes, Hereditary; Tumor predisposition; Hereditary Cancer Syndrome; Hereditary neoplastic syndrome. Identifiers: Orphanet 140162, MedGen C0027672, MeSH D009386, MONDO:0015356.
Lynch syndrome. Identifiers: Orphanet 144, MedGen C4552100, MONDO:0005835. Disease mechanism: loss of function.

Allele frequency attached by ClinVar (database versions not stated): gnomAD exomes 0.00001; ExAC 0.00002; gnomAD 0.00003 and 0.00004; TOPMed 0.00005; ESP Exome Variant Server 0.00008.
gnomAD v4.1: 8 of 1,612,446 alleles (0.0005%); highest among the groups gnomAD compares: African/African-American, 0.0093%; no homozygotes.

Submissions (8):

Ambry Genetics
Classification: Uncertain significance for Hereditary cancer-predisposing syndrome. Last evaluated: 2026-06-10. Review status: criteria provided, single submitter. Criteria: Ambry Variant Classification Scheme 2023. Collection method: clinical testing. Allele origin: germline.

Labcorp Genetics (formerly Invitae), Labcorp
Classification: Benign for Hereditary nonpolyposis colorectal neoplasms. Last evaluated: 2025-08-27. Review status: criteria provided, single submitter. Criteria: Invitae Variant Classification Sherloc (09022015). Collection method: clinical testing. Allele origin: germline.

PreventionGenetics, part of Exact Sciences
Classification: Uncertain significance for PMS2-related condition. Last evaluated: 2025-04-21. Review status: criteria provided, single submitter. Criteria: ACMG Guidelines, 2015. Collection method: clinical testing. Allele origin: germline.
Comment: The PMS2 c.13G>C variant is predicted to result in the amino acid substitution p.Glu5Gln. To our knowledge, this variant has not been reported in the literature. This variant is reported in 0.012% of alleles in individuals of African descent in gnomAD and is interpreted as uncertain in ClinVar. At this time, the clinical significance of this variant is uncertain due to the absence of conclusive functional and genetic evidence.

Quest Diagnostics Nichols Institute San Juan Capistrano
Classification: Uncertain significance. Last evaluated: 2025-02-08. Review status: criteria provided, single submitter. Criteria: Quest Diagnostics criteria. Collection method: clinical testing. Allele origin: unknown.
Comment: The PMS2 c.13G>C (p.Glu5Gln) variant has not been reported in individuals with PMS2-related conditions in the published literature. The frequency of this variant in the general population (Genome Aggregation Database) is uninformative in the assessment of its pathogenicity. Analysis of this variant using bioinformatics tools for the prediction of the effect of amino acid changes on protein structure and function yielded predictions that this variant is benign. Based on the available information, we are unable to determine the clinical significance of this variant.

Color Diagnostics, LLC DBA Color Health
Classification: Uncertain significance for Hereditary cancer-predisposing syndrome. Last evaluated: 2024-11-19. Review status: criteria provided, single submitter. Criteria: ACMG Guidelines, 2015. Collection method: clinical testing. Allele origin: germline.
Comment: This missense variant replaces glutamic acid with glutamine at codon 5 of the PMS2 protein. Computational prediction suggests that this variant may not impact protein structure and function (internally defined REVEL score threshold <= 0.5, PMID: 27666373). To our knowledge, functional studies have not been reported for this variant. This variant has not been reported in individuals affected with PMS2-related disorders in the literature. This variant has been identified in 8/1612446 chromosomes in the general population by the Genome Aggregation Database (gnomAD). The available evidence is insufficient to determine the role of this variant in disease conclusively. Therefore, this variant is classified as a Variant of Uncertain Significance.

GeneDx
Classification: Uncertain significance. Last evaluated: 2024-01-29. Review status: criteria provided, single submitter. Criteria: GeneDx Variant Classification Process June 2021. Collection method: clinical testing. Allele origin: germline. Affected: yes.
Comment: In silico analysis supports that this missense variant does not alter protein structure/function; Has not been previously published as pathogenic or benign to our knowledge; This variant is associated with the following publications: (PMID: 22980975, 11574484)

All of Us Research Program, National Institutes of Health
Classification: Uncertain significance for Lynch syndrome. Last evaluated: 2023-08-15. Review status: criteria provided, single submitter. Criteria: ACMG Guidelines, 2015. Collection method: clinical testing. Allele origin: germline. Inheritance: Autosomal dominant inheritance. Observed: 1 variant allele, 1 heterozygote.
Comment: This missense variant replaces glutamic acid with glutamine at codon 5 of the PMS2 protein. Computational prediction suggests that this variant may not impact protein structure and function (internally defined REVEL score threshold <= 0.5, PMID: 27666373). To our knowledge, functional studies have not been reported for this variant. This variant has not been reported in individuals affected with hereditary cancer in the literature. This variant has been identified in 2/250244 chromosomes in the general population by the Genome Aggregation Database (gnomAD). The available evidence is insufficient to determine the role of this variant in disease conclusively. Therefore, this variant is classified as a Variant of Uncertain Significance.

This study involves interpretation of variants in research participants for the purpose of population health screening. Participant phenotype was not available at the time of variant classification. Additional details can be found in publication PMID: 35346344, PMCID: PMC8962531

Women's Health and Genetics/Laboratory Corporation of America, LabCorp
Classification: Uncertain significance. Last evaluated: 2022-09-24. Review status: criteria provided, single submitter. Criteria: LabCorp Variant Classification Summary - May 2015. Collection method: clinical testing. Allele origin: germline.